The following is an entry in ClinVar:

ClinVar aggregate classification (germline): Uncertain significance (1 of 4 stars; one submission).

Conditions:
Congenital myotonia, autosomal dominant form (THD). Also called: THOMSEN DISEASE; Myotonia congenita autosomal dominant. Identifiers: Orphanet 614, MedGen C2936781, MONDO:0008055, OMIM 160800.
Congenital myotonia, autosomal recessive form. Also called: Becker Generalized Myotonia; myotonia congenita, autosomal recessive; BECKER DISEASE. Identifiers: Orphanet 614, MedGen C0751360, MONDO:0009715, OMIM 255700.

Allele frequency attached by ClinVar (database versions not stated): TOPMed below 0.00001; gnomAD 0.00001; ESP Exome Variant Server 0.00008.
gnomAD v4.1: 44 of 1,614,074 alleles (0.0027%); highest among the groups gnomAD compares: Non-Finnish European, 0.0032%; no homozygotes.

Submission:

Labcorp Genetics (formerly Invitae), Labcorp
Classification: Uncertain significance for Congenital myotonia, autosomal recessive form; Congenital myotonia, autosomal dominant form. Last evaluated: 2021-08-28. Review status: criteria provided, single submitter. Criteria: Invitae Variant Classification Sherloc (09022015). Collection method: clinical testing. Allele origin: germline.
Comment: This sequence change replaces asparagine with lysine at codon 908 of the CLCN1 protein (p.Asn908Lys). The asparagine residue is weakly conserved and there is a moderate physicochemical difference between asparagine and lysine. This variant is not present in population databases (ExAC no frequency). This variant has not been reported in the literature in individuals affected with CLCN1-related conditions. Algorithms developed to predict the effect of missense changes on protein structure and function (SIFT, PolyPhen-2, Align-GVGD) all suggest that this variant is likely to be tolerated. In summary, the available evidence is currently insufficient to determine the role of this variant in disease. Therefore, it has been classified as a Variant of Uncertain Significance.

NM_000083.3(CLCN1):c.2724C>G (p.Asn908Lys)

Gene: CLCN1 (chloride voltage-gated channel 1; plus strand). Cytogenetic location: 7q34.
Variant type: single nucleotide variant.
Coding change: c.2724C>G on transcript NM_000083.3 (MANE Select); coding-DNA position 2724, C replaced by G.
Protein change: p.Asn908Lys; replaces asparagine 908 with lysine.
Molecular consequence: missense variant. On other transcripts: non-coding transcript variant (1).
Genome position (GRCh38, 1-based): chr7:143,351,722, C>G. VCF-style: chr7-143351722-C-G. GRCh37 (hg19) VCF-style: chr7-143048815-C-G.
Other names: short protein forms N908K.
Identifiers: ClinVar variation 937438 (VCV000937438.7), dbSNP rs139117651, ClinGen allele CA168231530.
Genomic context (GRCh38, chr7:143,351,722, plus strand): 5'-GAACACGACTTCAACTCGAAAGAGTACCGGGGCACCTCCATCTTCTGCAGAGAACTGGAA[C>G]CTGCCTGAGGACAGGCCTGGGGCCACTGGAACAGGGGATGTGATTGCTGCCTCCCCAGAG-3'
Protein context (NP_000074.3, residues 898-918): GAPPSSAENW[Asn908Lys]LPEDRPGATG